The following is an entry in ClinVar:

ClinVar aggregate classification (germline): Uncertain significance (1 of 4 stars; one submission).

Conditions:
Inborn genetic diseases. Identifiers: MedGen C0950123, MeSH D030342.

gnomAD v4.1: 3 of 1,613,966 alleles (0.00019%); highest among the groups gnomAD compares: Admixed American, 0.0017%; no homozygotes.

Submission:

Ambry Genetics
Classification: Uncertain significance for Inborn genetic diseases. Last evaluated: 2025-09-18. Review status: criteria provided, single submitter. Criteria: Ambry Variant Classification Scheme 2023. Collection method: clinical testing. Allele origin: germline.
Comment: The p.K315T variant (also known as c.944A>C), located in coding exon 9 of the CEP57 gene, results from an A to C substitution at nucleotide position 944. The lysine at codon 315 is replaced by threonine, an amino acid with similar properties. This amino acid position is conserved. In addition, this alteration is predicted to be deleterious by in silico analysis. Based on the available evidence, the clinical significance of this variant remains unclear.

NM_014679.5(CEP57):c.944A>C (p.Lys315Thr)

Gene: CEP57 (centrosomal protein 57; plus strand). Cytogenetic location: 11q21.
Variant type: single nucleotide variant.
Coding change: c.944A>C on transcript NM_014679.5 (MANE Select); coding-DNA position 944, A replaced by C.
Protein change: p.Lys315Thr; replaces lysine 315 with threonine.
Molecular consequence: missense variant.
Genome position (GRCh38, 1-based): chr11:95,827,844, A>C. VCF-style: chr11-95827844-A-C. GRCh37 (hg19) VCF-style: chr11-95561008-A-C.
Other names: c.917A>C, p.Lys306Thr (NM_001243776.2); c.866A>C, p.Lys289Thr (NM_001243777.2); c.863A>C, p.Lys288Thr (NM_001363604.2, NM_001440869.1, NM_001440870.1); c.836A>C, p.Lys279Thr (NM_001440871.1); c.827A>C, p.Lys276Thr (NM_001440872.1); c.764A>C, p.Lys255Thr (NM_001440873.1); c.758A>C, p.Lys253Thr (NM_001440874.1); c.755A>C, p.Lys252Thr (NM_001440875.1); and 6 more; short protein forms K240T, K249T, K253T, K255T, K306T, K216T, K228T, K252T.
Identifiers: ClinVar variation 4613439 (VCV004613439.1).
Genomic context (GRCh38, chr11:95,827,844, plus strand): 5'-AGTCCACAAGCCCTAGCCATGCCGTGGTAGCCAATGTTCAGCTTGTCTTGCATCTAATGA[A>C]GCAACACAGTAAAGCTTTGTGCAATGATCGAGTCATCAACAGTATTCCTTTGGCAAAGCA-3'
Protein context (NP_055494.2, residues 305-325): ANVQLVLHLM[Lys315Thr]QHSKALCNDR